The following is an entry in ClinVar:

NM_032387.5(WNK4):c.3515C>T (p.Pro1172Leu)

Gene: WNK4 (WNK lysine deficient protein kinase 4; plus strand). Cytogenetic location: 17q21.2.
Variant type: single nucleotide variant.
Coding change: c.3515C>T on transcript NM_032387.5 (MANE Select); coding-DNA position 3515, C replaced by T.
Protein change: p.Pro1172Leu; replaces proline 1172 with leucine.
Molecular consequence: missense variant.
Genome position (GRCh38, 1-based): chr17:42,796,206, C>T. VCF-style: chr17-42796206-C-T. GRCh37 (hg19) VCF-style: chr17-40948224-C-T.
Other names: c.2507C>T, p.Pro836Leu (NM_001321299.2); c.3515C>T (NM_032387.4); short protein forms P1172L, P836L.
Identifiers: ClinVar variation 3707683 (VCV003707683.3).

ClinVar aggregate classification (germline): Uncertain significance. Review status: criteria provided, multiple submitters, no conflicts (2 of 4 stars). 2 submissions from 2 submitters: Uncertain significance (2). Last evaluated 2025-04-25.

Conditions:
Inborn genetic diseases. Identifiers: MedGen C0950123, MeSH D030342.

Submissions (2):

Ambry Genetics
Classification: Uncertain significance for Inborn genetic diseases. Last evaluated: 2025-04-25. Review status: criteria provided, single submitter. Criteria: Ambry Variant Classification Scheme 2023. Collection method: clinical testing. Allele origin: germline.

Labcorp Genetics (formerly Invitae), Labcorp
Classification: Uncertain significance. Last evaluated: 2024-11-21. Review status: criteria provided, single submitter. Criteria: Invitae Variant Classification Sherloc (09022015). Collection method: clinical testing. Allele origin: germline.
Comment: This sequence change replaces proline, which is neutral and non-polar, with leucine, which is neutral and non-polar, at codon 1172 of the WNK4 protein (p.Pro1172Leu). This variant is not present in population databases (gnomAD no frequency). This variant has not been reported in the literature in individuals affected with WNK4-related conditions. An algorithm developed to predict the effect of missense changes on protein structure and function (PolyPhen-2) suggests that this variant is likely to be disruptive. In summary, the available evidence is currently insufficient to determine the role of this variant in disease. Therefore, it has been classified as a Variant of Uncertain Significance.